The following is an entry in ClinVar:

NM_004380.3(CREBBP):c.5148G>A (p.Thr1716=)

Gene: CREBBP (CREB binding lysine acetyltransferase; minus strand). Cytogenetic location: 16p13.3.
Variant type: single nucleotide variant.
Coding change: c.5148G>A on transcript NM_004380.3 (MANE Select); coding-DNA position 5148, G replaced by A.
Protein change: p.Thr1716=; no amino-acid change (threonine 1716 retained).
Molecular consequence: synonymous variant.
Genome position (GRCh38, 1-based): chr16:3,731,216, C>T on the plus strand (G>A on the coding strand, the complement: CREBBP is on the minus strand). VCF-style: chr16-3731216-C-T. GRCh37 (hg19) VCF-style: chr16-3781217-C-T.
Other names: c.5034G>A, p.Thr1678= (NM_001079846.1).
Identifiers: ClinVar variation 1745642 (VCV001745642.7), dbSNP rs376575063, ClinGen allele CA7869351.

ClinVar aggregate classification (germline): Likely benign. Review status: criteria provided, multiple submitters, no conflicts (2 of 4 stars). 3 submissions from 3 submitters: Likely benign (2). 1 of the submissions does not count toward it. Last evaluated 2023-08-14.

Conditions:
CREBBP-related disorder. Also called: CREBBP-related condition; CREBBP-related disorders.
Rubinstein-Taybi syndrome (RSTS). Identifiers: Orphanet 783, MedGen C0035934, MONDO:0019188.
Inborn genetic diseases. Identifiers: MedGen C0950123, MeSH D030342.

Allele frequency attached by ClinVar (database versions not stated): ESP Exome Variant Server 0.00015.
gnomAD v4.1: 40 of 1,613,694 alleles (0.0025%); highest among the groups gnomAD compares: Non-Finnish European, 0.0031%; no homozygotes.

Submissions (3):

Labcorp Genetics (formerly Invitae), Labcorp
Classification: Likely benign for Rubinstein-Taybi syndrome. Last evaluated: 2023-08-14. Review status: criteria provided, single submitter. Criteria: Invitae Variant Classification Sherloc (09022015). Collection method: clinical testing. Allele origin: germline.

Ambry Genetics
Classification: Likely benign for Inborn genetic diseases. Last evaluated: 2017-11-13. Review status: criteria provided, single submitter. Criteria: Ambry Variant Classification Scheme 2023. Collection method: clinical testing. Allele origin: germline.

PreventionGenetics, part of Exact Sciences
Classification: Likely benign for CREBBP-related condition. Last evaluated: 2024-01-23. Review status: no assertion criteria provided. Collection method: clinical testing. Allele origin: germline. Not counted in ClinVar's aggregate classification.
Comment: This variant is classified as likely benign based on ACMG/AMP sequence variant interpretation guidelines (Richards et al. 2015 PMID: 25741868, with internal and published modifications).